The following is an entry in ClinVar:

NM_001286577.2(C2CD3):c.1873C>G (p.Pro625Ala)

Gene: C2CD3 (C2 domain containing 3 centriole elongation regulator; minus strand). Cytogenetic location: 11q13.4.
Variant type: single nucleotide variant.
Coding change: c.1873C>G on transcript NM_001286577.2 (MANE Select); coding-DNA position 1873, C replaced by G.
Protein change: p.Pro625Ala; replaces proline 625 with alanine.
Molecular consequence: missense variant.
Genome position (GRCh38, 1-based): chr11:74,109,123, G>C on the plus strand (C>G on the coding strand, the complement: C2CD3 is on the minus strand). VCF-style: chr11-74109123-G-C. GRCh37 (hg19) VCF-style: chr11-73820168-G-C.
Other names: c.1873C>G, p.Pro625Ala (NM_015531.6); short protein forms P625A.
Identifiers: ClinVar variation 3771633 (VCV003771633.13).

ClinVar aggregate classification (germline): Uncertain significance (1 of 4 stars; one submission).

Submission:

CeGaT Center for Human Genetics Tuebingen
Classification: Uncertain significance. Last evaluated: 2025-01-01. Review status: criteria provided, single submitter. Criteria: CeGaT Center For Human Genetics Tuebingen Variant Classification Criteria Version 2. Collection method: clinical testing. Allele origin: germline. Affected: yes. Observed: 1 variant allele.
Comment: C2CD3: PM2